The following is an entry in ClinVar:

NM_173551.5(ANKS6):c.155C>T (p.Ala52Val)

Gene: ANKS6 (ankyrin repeat and sterile alpha motif domain containing 6; minus strand). Cytogenetic location: 9q22.33.
Variant type: single nucleotide variant.
Coding change: c.155C>T on transcript NM_173551.5 (MANE Select); coding-DNA position 155, C replaced by T.
Protein change: p.Ala52Val; replaces alanine 52 with valine.
Molecular consequence: missense variant.
Genome position (GRCh38, 1-based): chr9:98,796,337, G>A on the plus strand (C>T on the coding strand, the complement: ANKS6 is on the minus strand). VCF-style: chr9-98796337-G-A. GRCh37 (hg19) VCF-style: chr9-101558619-G-A.
Other names: short protein forms A52V.
Identifiers: ClinVar variation 1325997 (VCV001325997.3), dbSNP rs1422061469, ClinGen allele CA374220536.

ClinVar aggregate classification (germline): Uncertain significance. Review status: criteria provided, multiple submitters, no conflicts (2 of 4 stars). 2 submissions from 2 submitters: Uncertain significance (2). Last evaluated 2021-12-23.

Conditions:
Nephronophthisis 16 (NPHP16). Identifiers: Orphanet 655, MedGen C3809320, MONDO:0014158, OMIM 615382.

Allele frequency attached by ClinVar (database versions not stated): gnomAD exomes 0.00001; gnomAD 0.00002 and 0.00003.
gnomAD v4.1: 16 of 1,187,096 alleles (0.0013%); highest among the groups gnomAD compares: Middle Eastern, 0.034%; no homozygotes.

Submissions (2):

Fulgent Genetics
Classification: Uncertain significance for Nephronophthisis 16. Last evaluated: 2021-12-23. Review status: criteria provided, single submitter. Criteria: ACMG Guidelines, 2015. Collection method: clinical testing. Allele origin: unknown.

GeneDx
Classification: Uncertain significance. Last evaluated: 2021-05-21. Review status: criteria provided, single submitter. Criteria: GeneDx Variant Classification Process June 2021. Collection method: clinical testing. Allele origin: germline. Affected: yes.
Comment: Not observed at significant frequency in large population cohorts (Lek et al., 2016); In silico analysis supports that this missense variant does not alter protein structure/function; Has not been previously published as pathogenic or benign to our knowledge